The following is an entry in ClinVar:

ClinVar aggregate classification (germline): Uncertain significance (1 of 4 stars; one submission).

Conditions:
Dyskeratosis congenita. Identifiers: Orphanet 1775, MedGen C0265965, MONDO:0015780.

Allele frequency attached by ClinVar (database versions not stated): gnomAD exomes below 0.00001 and 0.00001; TOPMed below 0.00001; gnomAD 0.00001.
gnomAD v4.1: 15 of 1,567,612 alleles (0.00096%); highest among the groups gnomAD compares: Admixed American, 0.002%; no homozygotes.

Submission:

Labcorp Genetics (formerly Invitae), Labcorp
Classification: Uncertain significance for Dyskeratosis congenita. Last evaluated: 2022-08-06. Review status: criteria provided, single submitter. Criteria: Invitae Variant Classification Sherloc (09022015). Collection method: clinical testing. Allele origin: germline.
Comment: This sequence change replaces arginine, which is basic and polar, with cysteine, which is neutral and slightly polar, at codon 744 of the CTC1 protein (p.Arg744Cys). This variant is present in population databases (no rsID available, gnomAD 0.004%). This variant has not been reported in the literature in individuals affected with CTC1-related conditions. ClinVar contains an entry for this variant (Variation ID: 1042935). Algorithms developed to predict the effect of missense changes on protein structure and function are either unavailable or do not agree on the potential impact of this missense change (SIFT: "Deleterious"; PolyPhen-2: "Probably Damaging"; Align-GVGD: "Class C0"). In summary, the available evidence is currently insufficient to determine the role of this variant in disease. Therefore, it has been classified as a Variant of Uncertain Significance.

NM_025099.6(CTC1):c.2230C>T (p.Arg744Cys)

Gene: CTC1 (CST telomere replication complex component 1; minus strand). Cytogenetic location: 17p13.1.
Variant type: single nucleotide variant.
Coding change: c.2230C>T on transcript NM_025099.6 (MANE Select); coding-DNA position 2230, C replaced by T.
Protein change: p.Arg744Cys; replaces arginine 744 with cysteine.
Molecular consequence: missense variant. On other transcripts: non-coding transcript variant (1).
Genome position (GRCh38, 1-based): chr17:8,232,058, G>A on the plus strand (C>T on the coding strand, the complement: CTC1 is on the minus strand). VCF-style: chr17-8232058-G-A. GRCh37 (hg19) VCF-style: chr17-8135376-G-A.
Other names: short protein forms R744C.
Identifiers: ClinVar variation 1042935 (VCV001042935.6), dbSNP rs752134243, ClinGen allele CA397978120.
Genomic context (GRCh38, chr17:8,232,058, plus strand): 5'-AGAAACTGAGGGCGGGCTTGGGCACCTCTGGACTTGCTCCTGGGGGGACACAAAAATTAC[G>A]CTTCATGAGGGCCTCCTTGTGGCAGAGCAAGAAGAGCCGGCTCTGTCCTAGGTGGGGTCC-3'
Protein context (NP_079375.3, residues 734-754): LLCHKEALMK[Arg744Cys]NFCVPPGASP